The following is an entry in ClinVar:

NM_001927.4(DES):c.529G>A (p.Asp177Asn)

Gene: DES (desmin; plus strand). Cytogenetic location: 2q35.
Variant type: single nucleotide variant.
Coding change: c.529G>A on transcript NM_001927.4 (MANE Select); coding-DNA position 529, G replaced by A.
Protein change: p.Asp177Asn; replaces aspartic acid 177 with asparagine.
Molecular consequence: missense variant.
Genome position (GRCh38, 1-based): chr2:219,418,991, G>A. VCF-style: chr2-219418991-G-A. GRCh37 (hg19) VCF-style: chr2-220283713-G-A.
Other names: c.529G>A (LRG_380t1); short protein forms D177N.
Identifiers: ClinVar variation 393156 (VCV000393156.8), dbSNP rs1057524813, ClinGen allele CA16604072.

ClinVar aggregate classification (germline): Uncertain significance. Review status: criteria provided, multiple submitters, no conflicts (2 of 4 stars). 2 submissions from 2 submitters: Uncertain significance (2). Last evaluated 2021-08-04.

Conditions:
Desmin-related myofibrillar myopathy (MFM1). Also called: Desminopathy; MYOFIBRILLAR MYOPATHY WITH ARRHYTHMOGENIC RIGHT VENTRICULAR CARDIOMYOPATHY; DESMIN-RELATED MYOPATHY WITH ARRHYTHMOGENIC RIGHT VENTRICULAR CARDIOMYOPATHY; Myofibrillar myopathy 1; Desmin related myopathy (former name); Desmin storage myopathy (former name). Identifiers: Orphanet 363543, Orphanet 98909, MedGen C1832370, MONDO:0011076, OMIM 601419.

Submissions (2):

Labcorp Genetics (formerly Invitae), Labcorp
Classification: Uncertain significance for Desmin-related myofibrillar myopathy. Last evaluated: 2021-08-04. Review status: criteria provided, single submitter. Criteria: Invitae Variant Classification Sherloc (09022015). Collection method: clinical testing. Allele origin: germline.
Comment: In summary, the available evidence is currently insufficient to determine the role of this variant in disease. Therefore, it has been classified as a Variant of Uncertain Significance. Algorithms developed to predict the effect of missense changes on protein structure and function are either unavailable or do not agree on the potential impact of this missense change (SIFT: "Deleterious"; PolyPhen-2: "Possibly Damaging"; Align-GVGD: "Class C0"). ClinVar contains an entry for this variant (Variation ID: 393156). This variant has not been reported in the literature in individuals affected with DES-related conditions. The frequency data for this variant in the population databases is considered unreliable, as metrics indicate insufficient coverage at this position in the ExAC database. This sequence change replaces aspartic acid with asparagine at codon 177 of the DES protein (p.Asp177Asn). The aspartic acid residue is weakly conserved and there is a small physicochemical difference between aspartic acid and asparagine.

GeneDx
Classification: Uncertain significance. Last evaluated: 2018-11-20. Review status: criteria provided, single submitter. Criteria: GeneDx Variant Classification (06012015). Collection method: clinical testing. Allele origin: germline. Affected: yes.
Comment: A variant of uncertain significance has been identified in the DES gene. The D177N variant has not been published as pathogenic or been reported as benign to our knowledge. This variant is not observed in large population cohorts (Lek et al., 2016; ExAC). The D177N variant is a semi-conservative amino acid substitution, which may impact secondary protein structure as these residues differ in some properties. This substitution occurs at a position where amino acids with similar properties to aspartic acid (D) are tolerated across species. Furthermore, in silico analysis is inconsistent in its predictions as to whether or not the variant is damaging to the protein structure/function.